The following is an entry in ClinVar:

ClinVar aggregate classification (germline): Likely benign (0 of 4 stars; one submission).

Conditions:
SOX1-related disorder. Also called: SOX1-related condition.

Submission:

PreventionGenetics, part of Exact Sciences
Classification: Likely benign for SOX1-related condition. Last evaluated: 2022-06-22. Review status: no assertion criteria provided. Collection method: clinical testing. Allele origin: germline.
Comment: This variant is classified as likely benign based on ACMG/AMP sequence variant interpretation guidelines (Richards et al. 2015 PMID: 25741868, with internal and published modifications).

NM_005986.3(SOX1):c.846CGC[4] (p.Ala288del)

Genes: SOX1 (SRY-box transcription factor 1; plus strand), SOX1-OT (SOX1 overlapping transcript; plus strand). Cytogenetic location: 13q34.
Variant type: Microsatellite.
Coding change: c.846CGC[4] on transcript NM_005986.3 (MANE Select); four copies in a row of the 3-base unit CGC starting at c.846; the reference has five copies in a row; one copy, 3 bases deleted.
Protein change: p.Ala288del; deletes alanine 288.
Genome position (GRCh38, 1-based): chr13:112,068,516-112,068,518, CGC deleted; deleting any 3 consecutive bases within chr13:112,068,502-112,068,518 gives the same sequence; the position shown is the placement nearest the transcript's 3' end. VCF-style (leftmost placement, unchanged base first): chr13-112068501-GGCC-G. GRCh37 (hg19) VCF-style: chr13-112722815-GGCC-G.
Other names: short protein forms A288del.
Identifiers: ClinVar variation 3038021 (VCV003038021.2), dbSNP rs755129510, ClinGen allele CA7054766.